The following is an entry in ClinVar:

ClinVar aggregate classification (germline): Benign. Review status: criteria provided, single submitter (1 of 4 stars). 2 submissions from 2 submitters: Benign (1). 1 of the submissions does not count toward it. Last evaluated 2024-03-30.

Conditions:
COL8A2-related disorder. Also called: COL8A2-related condition.

Submissions (2):

Labcorp Genetics (formerly Invitae), Labcorp
Classification: Benign. Last evaluated: 2024-03-30. Review status: criteria provided, single submitter. Criteria: Invitae Variant Classification Sherloc (09022015). Collection method: clinical testing. Allele origin: germline.

PreventionGenetics, part of Exact Sciences
Classification: Benign for COL8A2-related condition. Last evaluated: 2019-05-24. Review status: no assertion criteria provided. Collection method: clinical testing. Allele origin: germline. Not counted in ClinVar's aggregate classification.
Comment: This variant is classified as benign based on ACMG/AMP sequence variant interpretation guidelines (Richards et al. 2015 PMID: 25741868, with internal and published modifications).

NM_005202.4(COL8A2):c.30GCT[6] (p.Leu16_Val17insLeu)

Gene: COL8A2 (collagen type VIII alpha 2 chain; minus strand). Cytogenetic location: 1p34.3.
Variant type: Microsatellite.
Coding change: c.30GCT[6] on transcript NM_005202.4 (MANE Select); six copies in a row of the 3-base unit GCT starting at c.30; the reference has five copies in a row; one copy, 3 bases duplicated.
Protein change: p.Leu16_Val17insLeu.
Molecular consequence: 5 prime UTR variant (on NM_001294347.2).
Genome position (GRCh38, 1-based): chr1:36,100,199-36,100,201, AGC duplicated on the plus strand (GCT on the coding strand, the reverse complement: COL8A2 is on the minus strand); duplicating any 3 consecutive bases within chr1:36,100,199-36,100,213 gives the same sequence; the position shown is the placement nearest the transcript's 3' end. VCF-style (leftmost placement, unchanged base first): chr1-36100198-T-TAGC. GRCh37 (hg19) VCF-style: chr1-36565799-T-TAGC.
Other names: c.-21GCT[6] (NM_001294347.2).
Identifiers: ClinVar variation 3039011 (VCV003039011.4), dbSNP rs754887303, ClinGen allele CA765201.
Genomic context (GRCh38, chr1:36,100,198, plus strand): 5'-CGCCCCACCGGCCCCGCCACCAGAGGACGCCCGCGGCCCACACCCCAGCACCAGCACCAG[T>TAGC]AGCAGCAGCAGCAGCGAAGACAGGGGTGTCAGAGTCCCCAGCATGGCGTCCGTGGACGTG-3'